The following is an entry in ClinVar:

NM_000388.4(CASR):c.1486C>T (p.Leu496Phe)

Gene: CASR (calcium sensing receptor; plus strand). Cytogenetic location: 3q21.1.
Variant type: single nucleotide variant.
Coding change: c.1486C>T on transcript NM_000388.4 (MANE Select); coding-DNA position 1486, C replaced by T.
Protein change: p.Leu496Phe; replaces leucine 496 with phenylalanine.
Molecular consequence: missense variant.
Genome position (GRCh38, 1-based): chr3:122,275,920, C>T. VCF-style: chr3-122275920-C-T. GRCh37 (hg19) VCF-style: chr3-121994767-C-T.
Other names: c.1486C>T, p.Leu496Phe (NM_001178065.2); c.1486C>T (NM_000388.3); short protein forms L496F.
Identifiers: ClinVar variation 2941347 (VCV002941347.4), dbSNP rs763490474, ClinGen allele CA2569666.

ClinVar aggregate classification (germline): Uncertain significance. Review status: criteria provided, multiple submitters, no conflicts (2 of 4 stars). 2 submissions from 2 submitters: Uncertain significance (2). Last evaluated 2024-01-23.

Conditions:
Familial hypocalciuric hypercalcemia (FHH). Also called: Familial benign hypercalcemia. Identifiers: Orphanet 405, MedGen C1809471, MONDO:0018458.
Autosomal dominant hypocalcemia 1 (HYPOC1). Also called: HYPOCALCEMIA, FAMILIAL. Identifiers: MedGen C3715128, MONDO:0011013, OMIM 601198.
Nephrolithiasis/nephrocalcinosis. Identifiers: MedGen CN580796.

Allele frequency attached by ClinVar (database versions not stated): gnomAD exomes below 0.00001; ExAC 0.00001.
gnomAD v4.1: 2 of 1,613,848 alleles (0.00012%); highest among the groups gnomAD compares: South Asian, 0.0011%; no homozygotes.

Submissions (2):

Ambry Genetics
Classification: Uncertain significance for Nephrolithiasis/nephrocalcinosis. Last evaluated: 2024-01-23. Review status: criteria provided, single submitter. Criteria: Ambry Variant Classification Scheme 2023. Collection method: clinical testing. Allele origin: germline.
Comment: The p.L496F variant (also known as c.1486C>T), located in coding exon 4 of the CASR gene, results from a C to T substitution at nucleotide position 1486. The leucine at codon 496 is replaced by phenylalanine, an amino acid with highly similar properties. This amino acid position is not well conserved in available vertebrate species. In addition, the in silico prediction for this alteration is inconclusive. In addition, the evidence for the gene-disease relationship is limited for pancreatitis and cancer predisposition; therefore, the clinical significance of this variant for CASR-related pancreatitis and cancer predisposition is unclear. Based on the available evidence, the clinical significance of this alteration remains unclear.

Labcorp Genetics (formerly Invitae), Labcorp
Classification: Uncertain significance for Familial hypocalciuric hypercalcemia; Autosomal dominant hypocalcemia 1. Last evaluated: 2022-11-06. Review status: criteria provided, single submitter. Criteria: Invitae Variant Classification Sherloc (09022015). Collection method: clinical testing. Allele origin: germline.
Comment: This sequence change replaces leucine, which is neutral and non-polar, with phenylalanine, which is neutral and non-polar, at codon 496 of the CASR protein (p.Leu496Phe). In summary, the available evidence is currently insufficient to determine the role of this variant in disease. Therefore, it has been classified as a Variant of Uncertain Significance. Algorithms developed to predict the effect of missense changes on protein structure and function are either unavailable or do not agree on the potential impact of this missense change (SIFT: "Deleterious"; PolyPhen-2: "Possibly Damaging"; Align-GVGD: "Class C0"). This variant has not been reported in the literature in individuals affected with CASR-related conditions. This variant is present in population databases (rs763490474, gnomAD 0.003%).